The following is an entry in ClinVar:

ClinVar aggregate classification (germline): Uncertain significance (1 of 4 stars; one submission).

Submission:

Labcorp Genetics (formerly Invitae), Labcorp
Classification: Uncertain significance. Last evaluated: 2023-09-20. Review status: criteria provided, single submitter. Criteria: Invitae Variant Classification Sherloc (09022015). Collection method: clinical testing. Allele origin: germline.
Comment: ClinVar contains an entry for this variant (Variation ID: 1422245). In summary, the available evidence is currently insufficient to determine the role of this variant in disease. Therefore, it has been classified as a Variant of Uncertain Significance. Experimental studies and prediction algorithms are not available or were not evaluated, and the functional significance of this variant is currently unknown. This variant has not been reported in the literature in individuals affected with COL9A2-related conditions. Information on the frequency of this variant in the gnomAD database is not available, as this variant may be reported differently in the database. This sequence change replaces isoleucine, which is neutral and non-polar, with valine, which is neutral and non-polar, at codon 383 of the COL9A2 protein (p.Ile383Val).

NM_001852.4(COL9A2):c.1146_1147inv (p.Ile383Val)

Gene: COL9A2 (collagen type IX alpha 2 chain; minus strand). Cytogenetic location: 1p34.2.
Variant type: Inversion.
Coding change: c.1146_1147inv on transcript NM_001852.4 (MANE Select).
Protein change: p.Ile383Val; replaces isoleucine 383 with valine.
Molecular consequence: missense variant.
Genome position: GRCh38 VCF-style: chr1-40304808-TG-CA. GRCh37 (hg19) VCF-style: chr1-40770480-TG-CA.
Other names: short protein forms I383V.
Identifiers: ClinVar variation 1422245 (VCV001422245.5), ClinGen allele CA2573131923.